The following is an entry in ClinVar:

ClinVar aggregate classification (germline): Uncertain significance (1 of 4 stars; one submission).

Submission:

Labcorp Genetics (formerly Invitae), Labcorp
Classification: Uncertain significance. Last evaluated: 2022-03-21. Review status: criteria provided, single submitter. Criteria: Invitae Variant Classification Sherloc (09022015). Collection method: clinical testing. Allele origin: germline.
Comment: In summary, the available evidence is currently insufficient to determine the role of this variant in disease. Therefore, it has been classified as a Variant of Uncertain Significance. Algorithms developed to predict the effect of missense changes on protein structure and function are either unavailable or do not agree on the potential impact of this missense change (SIFT: "Deleterious"; PolyPhen-2: "Possibly Damaging"; Align-GVGD: "Class C0"). This variant has not been reported in the literature in individuals affected with TEAD1-related conditions. This variant is not present in population databases (gnomAD no frequency). This sequence change replaces asparagine, which is neutral and polar, with aspartic acid, which is acidic and polar, at codon 384 of the TEAD1 protein (p.Asn384Asp).

NM_021961.6(TEAD1):c.1150A>G (p.Asn384Asp)

Gene: TEAD1 (TEA domain transcription factor 1; plus strand). Cytogenetic location: 11p15.3.
Variant type: single nucleotide variant.
Coding change: c.1150A>G on transcript NM_021961.6 (MANE Select); coding-DNA position 1150, A replaced by G.
Protein change: p.Asn384Asp; replaces asparagine 384 with aspartic acid.
Molecular consequence: missense variant.
Genome position (GRCh38, 1-based): chr11:12,930,309, A>G. VCF-style: chr11-12930309-A-G. GRCh37 (hg19) VCF-style: chr11-12951856-A-G.
Other names: short protein forms N384D.
Identifiers: ClinVar variation 2084010 (VCV002084010.4), dbSNP rs2493844980, ClinGen allele CA379710104.